The following is an entry in ClinVar:

ClinVar aggregate classification (germline): Pathogenic (1 of 4 stars; one submission).

Conditions:
Duchenne muscular dystrophy (DMD). Also called: MUSCULAR DYSTROPHY, PSEUDOHYPERTROPHIC PROGRESSIVE, DUCHENNE TYPE; Duchenne Muscular Dystrophy (DMD). Identifiers: Orphanet 98896, MedGen C0013264, MONDO:0010679, OMIM 310200.

Submission:

Labcorp Genetics (formerly Invitae), Labcorp
Classification: Pathogenic for Duchenne muscular dystrophy. Last evaluated: 2023-02-15. Review status: criteria provided, single submitter. Criteria: Invitae Variant Classification Sherloc (09022015). Collection method: clinical testing. Allele origin: unknown.
Comment: This variant results in the deletion of exons 8-22 and part of exon 23 (c.649+28384_3070delinsC) of the DMD gene. It is expected to disrupt RNA splicing. Variants that disrupt the donor or acceptor splice site typically lead to a loss of protein function (PMID: 16199547), and loss-of-function variants in DMD are known to be pathogenic (PMID: 16770791, 25007885). This variant has been observed in individual(s) with Duchenne muscular dystrophy (Invitae). This variant disrupts a region of the DMD protein in which other variant(s) (deletion of exons 10-13) have been determined to be pathogenic (PMID: 17561468, 17854090; Invitae). This suggests that this is a clinically significant region of the protein, and that variants that disrupt it are likely to be disease-causing. For these reasons, this variant has been classified as Pathogenic.

Literature cited by the submitters: PubMed 16199547; PubMed 16770791; PubMed 25007885; PubMed 17561468; PubMed 17854090.

NC_000023.10:g.(?_32486707)_(32799226_?)del

Gene: DMD (dystrophin; minus strand). Cytogenetic location: Xp21.1.
Variant type: Deletion.
Identifiers: ClinVar variation 3243660 (VCV003243660.1).